The following is an entry in ClinVar:

ClinVar aggregate classification (germline): Uncertain significance (1 of 4 stars; one submission).

Conditions:
Cardiovascular phenotype. Identifiers: MedGen CN230736.

gnomAD v4.1: 4 of 1,549,854 alleles (0.00026%); highest among the groups gnomAD compares: Non-Finnish European, 0.00035%; no homozygotes.

Submission:

Ambry Genetics
Classification: Uncertain significance for Cardiovascular phenotype. Last evaluated: 2025-06-07. Review status: criteria provided, single submitter. Criteria: Ambry Variant Classification Scheme 2023. Collection method: clinical testing. Allele origin: germline.
Comment: The p.G754S variant (also known as c.2260G>A), located in coding exon 3 of the TNXB gene, results from a G to A substitution at nucleotide position 2260. The glycine at codon 754 is replaced by serine, an amino acid with similar properties. This amino acid position is conserved. In addition, this alteration is predicted to be tolerated by in silico analysis. Based on the available evidence, the clinical significance of this variant remains unclear.

NM_001365276.2(TNXB):c.2260G>A (p.Gly754Ser)

Gene: TNXB (tenascin XB; minus strand). Cytogenetic location: 6p21.33.
Variant type: single nucleotide variant.
Coding change: c.2260G>A on transcript NM_001365276.2 (MANE Select); coding-DNA position 2260, G replaced by A.
Protein change: p.Gly754Ser; replaces glycine 754 with serine.
Molecular consequence: missense variant.
Genome position (GRCh38, 1-based): chr6:32,095,174, C>T on the plus strand (G>A on the coding strand, the complement: TNXB is on the minus strand). VCF-style: chr6-32095174-C-T. GRCh37 (hg19) VCF-style: chr6-32062951-C-T.
Other names: c.2260G>A, p.Gly754Ser (NM_001428335.1, NM_019105.8); short protein forms G754S.
Identifiers: ClinVar variation 3971938 (VCV003971938.1).